The following is an entry in ClinVar:

ClinVar aggregate classification (germline): Likely benign (1 of 4 stars; one submission).

Allele frequency attached by ClinVar (database versions not stated): 1000 Genomes Project 30x 0.00016; 1000 Genomes Project 0.00020; ExAC 0.00032; gnomAD 0.00044; ESP Exome Variant Server 0.00054; gnomAD exomes 0.00079.
gnomAD v4.1: 1,203 of 1,613,322 alleles (0.075%); highest among the groups gnomAD compares: Non-Finnish European, 0.093%; no homozygotes.

Submission:

CeGaT Center for Human Genetics Tuebingen
Classification: Likely benign. Last evaluated: 2023-02-01. Review status: criteria provided, single submitter. Criteria: CeGaT Center For Human Genetics Tuebingen Variant Classification Criteria Version 2. Collection method: clinical testing. Allele origin: germline. Affected: yes. Observed: 1 variant allele.
Comment: UGT2B11: BP4, BP7

NM_001073.3(UGT2B11):c.144G>A (p.Gln48=)

Genes: UGT2B11 (UDP glucuronosyltransferase family 2 member B11; minus strand), UGT2B11-AS1 (UGT2B11 antisense RNA 1; plus strand). Cytogenetic location: 4q13.2.
Variant type: single nucleotide variant.
Coding change: c.144G>A on transcript NM_001073.3 (MANE Select); coding-DNA position 144, G replaced by A.
Protein change: p.Gln48=; no amino-acid change (glutamine 48 retained).
Molecular consequence: synonymous variant. On other transcripts: non-coding transcript variant (1).
Genome position (GRCh38, 1-based): chr4:69,214,579, C>T on the plus strand (G>A on the coding strand, the complement: UGT2B11 is on the minus strand). VCF-style: chr4-69214579-C-T. GRCh37 (hg19) VCF-style: chr4-70080297-C-T.
Identifiers: ClinVar variation 2654784 (VCV002654784.24), dbSNP rs145676580, ClinGen allele CA2945553.
Genomic context (GRCh38, chr4:69,214,579, plus strand): 5'-ATCATTGGGATCAAAAAGAATGGAAGCTGAAGATGCCAGTACAGTCACCTCATGACCTCT[C>T]TGAACAAGCTCTTTCAGGATTGTCTTCATATTCATCCAATGGCTGTATTCTGCGGCCCAC-3'
Protein context (NP_001064.1, residues 38-58): NMKTILKELV[Gln48=]RGHEVTVLAS